The following is an entry in ClinVar:

NM_001365951.3(KIF1B):c.2452A>G (p.Arg818Gly)

Gene: KIF1B (kinesin family member 1B; plus strand). Cytogenetic location: 1p36.22.
Variant type: single nucleotide variant.
Coding change: c.2452A>G on transcript NM_001365951.3 (MANE Select); coding-DNA position 2452, A replaced by G.
Protein change: p.Arg818Gly; replaces arginine 818 with glycine.
Molecular consequence: missense variant.
Genome position (GRCh38, 1-based): chr1:10,323,977, A>G. VCF-style: chr1-10323977-A-G. GRCh37 (hg19) VCF-style: chr1-10384035-A-G.
Other names: c.2452A>G, p.Arg818Gly (NM_001365952.1); c.2314A>G, p.Arg772Gly (NM_015074.3); short protein forms R772G, R818G.
Identifiers: ClinVar variation 4543608 (VCV004543608.1).
Genomic context (GRCh38, chr1:10,323,977, plus strand): 5'-CTGTACTCCCCTTTGCCTCCTGAATTACTTCCCACTGAGATGGAAAAAACTCATGAGGAC[A>G]GGCCTTTCCCTCGCACAGTGGTAGCAGTAGAAGTCCAGGATTTGAAGAATGGAGCAACAC-3'
Protein context (NP_001352880.1, residues 808-828): PTEMEKTHED[Arg818Gly]PFPRTVVAVE

ClinVar aggregate classification (germline): Uncertain significance (1 of 4 stars; one submission).

gnomAD v4.1: 9 of 1,614,154 alleles (0.00056%); highest among the groups gnomAD compares: South Asian, 0.0011%; no homozygotes.

Submission:

Ambry Genetics
Classification: Uncertain significance. Last evaluated: 2025-12-09. Review status: criteria provided, single submitter. Criteria: Ambry Variant Classification Scheme 2023. Collection method: clinical testing. Allele origin: germline.
Comment: The p.R772G variant (also known as c.2314A>G), located in coding exon 22 of the KIF1B gene, results from an A to G substitution at nucleotide position 2314. The arginine at codon 772 is replaced by glycine, an amino acid with dissimilar properties. This amino acid position is conserved. In addition, the in silico prediction for this alteration is inconclusive. Based on the available evidence, the clinical significance of this variant remains unclear.